The following is an entry in ClinVar:

NM_007294.4(BRCA1):c.62_65del (p.Ile21fs)

Gene: BRCA1 (BRCA1 DNA repair associated; minus strand). Cytogenetic location: 17q21.31.
Variant type: Deletion.
Coding change: c.62_65del on transcript NM_007294.4 (MANE Select); coding-DNA positions 62 to 65, 4 bases deleted (TCTT; older notation c.62_65delTCTT).
Protein change: p.Ile21fs; shifts the reading frame from isoleucine 21.
Molecular consequence: frameshift variant. On other transcripts: 5 prime UTR variant (1), non-coding transcript variant (1).
Genome position (GRCh38, 1-based): chr17:43,124,032-43,124,035, AAGA deleted on the plus strand (TCTT on the coding strand, the reverse complement: BRCA1 is on the minus strand). VCF-style (leftmost placement, unchanged base first): chr17-43124031-TAAGA-T. GRCh37 (hg19) VCF-style: chr17-41276048-TAAGA-T.
Other names: 181delTCTT; c.-199_-196delTCTT (NM_001408462.1, NM_001408463.1, NM_001408466.1 and 22 more transcripts); c.-26_-23delTCTT (NM_001408464.1, NM_001408467.1, NM_001408496.1 and 22 more transcripts); c.-200_-197delTCTT (NM_001408465.1, NM_001407695.1); c.-196_-193delTCTT (NM_001408468.1, NM_001408501.1, NM_001407694.1 and 11 more transcripts); c.62_65delTCTT, p.Ile21Lysfs (NM_001408472.1, NM_001408473.1, NM_001408474.1 and 192 more transcripts); c.-127_-124delTCTT (NM_001408478.1, NM_001408479.1, NM_001408480.1 and 46 more transcripts); c.-272_-269delTCTT (NM_001408482.1); and 11 more; short protein forms I21fs.
Identifiers: ClinVar variation 266566 (VCV000266566.6), dbSNP rs886040307, ClinGen allele CA10590044.

ClinVar aggregate classification (germline): Pathogenic. Review status: reviewed by expert panel (3 of 4 stars). 2 submissions from 2 submitters: Pathogenic (1). 1 of the submissions does not count toward it. Last evaluated 2016-10-18.

Conditions:
Breast-ovarian cancer, familial, susceptibility to, 1 (BROVCA1). Also called: BRCA1 Hereditary Breast and Ovarian Cancer; OVARIAN CANCER, SUSCEPTIBILITY TO. Identifiers: Orphanet 145, MedGen C2676676, MONDO:0011450, OMIM 604370. Disease mechanism: loss of function.

Submissions (2):

Evidence-based Network for the Interpretation of Germline Mutant Alleles (ENIGMA)
Classification: Pathogenic for Breast-ovarian cancer, familial, susceptibility to, 1. Last evaluated: 2016-10-18. Review status: reviewed by expert panel. Criteria: ENIGMA BRCA1/2 Classification Criteria (2015). Collection method: curation. Allele origin: germline.
Comment: Variant allele predicted to encode a truncated non-functional protein.

Consortium of Investigators of Modifiers of BRCA1/2 (CIMBA), c/o University of Cambridge
Classification: Pathogenic for Breast-ovarian cancer, familial, susceptibility to, 1. Last evaluated: 2015-10-02. Review status: criteria provided, single submitter. Criteria: CIMBA Mutation Classification guidelines May 2016. Collection method: clinical testing. Allele origin: germline. Not counted in ClinVar's aggregate classification.